The following is an entry in ClinVar:

ClinVar aggregate classification (germline): Uncertain significance (1 of 4 stars; one submission).

Conditions:
Hereditary cancer-predisposing syndrome. Also called: Neoplastic Syndromes, Hereditary; Tumor predisposition; Hereditary Cancer Syndrome; Hereditary neoplastic syndrome. Identifiers: Orphanet 140162, MedGen C0027672, MeSH D009386, MONDO:0015356.

Submission:

Ambry Genetics
Classification: Uncertain significance for Hereditary cancer-predisposing syndrome. Last evaluated: 2026-05-21. Review status: criteria provided, single submitter. Criteria: Ambry Variant Classification Scheme 2023. Collection method: clinical testing. Allele origin: germline.
Comment: The c.2896_2916del21 variant (also known as p.L966_P972del) is located in coding exon 22 of the POLD1 gene. This variant results from an in-frame deletion of 21 nucleotides at positions 2896 to 2916. This results in the in-frame deletion of 7 amino acids (LLRIFEP) at codons 966 to 972. These amino acid positions are well conserved in available vertebrate species. In addition, this variant is predicted to be deleterious by in silico analysis (Choi Y et al. PLoS ONE. 2012; 7(10):e46688). Based on the available evidence, the clinical significance of this variant remains unclear.

NM_002691.4(POLD1):c.2896_2916del (p.Leu966_Pro972del)

Gene: POLD1 (DNA polymerase delta 1, catalytic subunit; plus strand). Cytogenetic location: 19q13.33.
Variant type: Deletion.
Coding change: c.2896_2916del on transcript NM_002691.4 (MANE Select); coding-DNA positions 2896 to 2916, 21 bases deleted (CTCCTGCGCATCTTCGAGCCC).
Protein change: p.Leu966_Pro972del.
Molecular consequence: inframe deletion. On other transcripts: non-coding transcript variant (1).
Genome position (GRCh38, 1-based): chr19:50,416,471-50,416,491, CTCCTGCGCATCTTCGAGCCC deleted; deleting any 21 consecutive bases within chr19:50,416,466-50,416,491 gives the same sequence; the c. name uses the placement nearest the transcript's 3' end. VCF-style (leftmost placement, unchanged base first): chr19-50416465-AAGCCCCTCCTGCGCATCTTCG-A. GRCh37 (hg19) VCF-style: chr19-50919722-AAGCCCCTCCTGCGCATCTTCG-A.
Other names: c.2896_2916del, p.Leu966_Pro972del (NM_001256849.1, NM_001438212.1, NM_001438213.1); c.2974_2994del, p.Leu992_Pro998del (NM_001308632.1); c.2824_2844del, p.Leu942_Pro948del (NM_001438210.1, NM_001438211.1).
Identifiers: ClinVar variation 4862195 (VCV004862195.1).
Genomic context (GRCh38, chr19:50,416,465, plus strand): 5'-TTCGTGCTGGAGCACAGCCTGCCCATTGACACGCAGTACTACCTGGAGCAGCAGCTGGCC[AAGCCCCTCCTGCGCATCTTCG>A]AGCCCATCCTGGGCGAGGGCCGTGCCGAGGCTGTGCTACTGCGTACGGGGGCACCAGGGG-3'